The following is an entry in ClinVar:

ClinVar aggregate classification (germline): Likely pathogenic (1 of 4 stars; one submission).

Conditions:
Pfeiffer syndrome (ACS5). Also called: ACS V. Identifiers: Orphanet 710, MedGen C0220658, MONDO:0007043, OMIM 101600.
Hypogonadotropic hypogonadism 2 with or without anosmia (HH2). Also called: HYPOGONADOTROPIC HYPOGONADISM 2 WITH OR WITHOUT ANOSMIA, SUSCEPTIBILITY TO; HYPOGONADOTROPIC HYPOGONADISM 2 WITHOUT ANOSMIA; HYPOGONADOTROPIC HYPOGONADISM 2 WITHOUT ANOSMIA, SUSCEPTIBILITY TO; FGFR1-Related GnRH Deficiency (Kallmann Syndrome 2). Identifiers: Orphanet 478, MedGen C1563720, MONDO:0007844, OMIM 147950. Disease mechanism: loss of function.

Allele frequency attached by ClinVar (database versions not stated): TOPMed below 0.00001.

Submission:

Labcorp Genetics (formerly Invitae), Labcorp
Classification: Likely pathogenic for Pfeiffer syndrome; Hypogonadotropic hypogonadism 2 with or without anosmia. Last evaluated: 2023-05-20. Review status: criteria provided, single submitter. Criteria: Invitae Variant Classification Sherloc (09022015). Collection method: clinical testing. Allele origin: germline.
Comment: This sequence change affects an acceptor splice site in intron 13 of the FGFR1 gene. It is expected to disrupt RNA splicing. Variants that disrupt the donor or acceptor splice site typically lead to a loss of protein function (PMID: 16199547), and loss-of-function variants in FGFR1 are known to be pathogenic (PMID: 12627230). This variant is not present in population databases (gnomAD no frequency). This variant has not been reported in the literature in individuals affected with FGFR1-related conditions. Algorithms developed to predict the effect of sequence changes on RNA splicing suggest that this variant may disrupt the consensus splice site. In summary, the currently available evidence indicates that the variant is pathogenic, but additional data are needed to prove that conclusively. Therefore, this variant has been classified as Likely Pathogenic.

Literature cited by the submitters: PubMed 16199547; PubMed 12627230.

NM_023110.3(FGFR1):c.1855-2A>G

Gene: FGFR1 (fibroblast growth factor receptor 1; minus strand). Cytogenetic location: 8p11.23.
Variant type: single nucleotide variant.
Coding change: c.1855-2A>G on transcript NM_023110.3 (MANE Select); the canonical splice acceptor site of the intron before coding-DNA position 1855, A replaced by G.
Molecular consequence: splice acceptor variant.
Genome position (GRCh38, 1-based): chr8:38,414,903, T>C on the plus strand (A>G on the coding strand, the complement: FGFR1 is on the minus strand). VCF-style: chr8-38414903-T-C. GRCh37 (hg19) VCF-style: chr8-38272421-T-C.
Other names: c.1576-2A>G (NM_001354368.2); c.1582-2A>G (NM_001354370.2, NM_023106.3); c.1588-2A>G (NM_023105.3, NM_001174066.2); c.1849-2A>G (NM_001354367.2, NM_015850.4, NM_001174063.2 and 1 more transcripts); c.1825-2A>G (NM_001174064.2); c.1843-2A>G (NM_001354369.2, NM_001410922.1); c.1948-2A>G (NM_001174067.2).
Identifiers: ClinVar variation 2948022 (VCV002948022.3), dbSNP rs1554548434, ClinGen allele CA370730664.